The following is an entry in ClinVar:

NM_000271.5(NPC1):c.1531A>G (p.Thr511Ala)

Gene: NPC1 (NPC intracellular cholesterol transporter 1; minus strand). Cytogenetic location: 18q11.2.
Variant type: single nucleotide variant.
Coding change: c.1531A>G on transcript NM_000271.5 (MANE Select); coding-DNA position 1531, A replaced by G.
Protein change: p.Thr511Ala; replaces threonine 511 with alanine.
Molecular consequence: missense variant.
Genome position (GRCh38, 1-based): chr18:23,554,780, T>C on the plus strand (A>G on the coding strand, the complement: NPC1 is on the minus strand). VCF-style: chr18-23554780-T-C. GRCh37 (hg19) VCF-style: chr18-21134744-T-C.
Other names: short protein forms T511A.
Identifiers: ClinVar variation 495786 (VCV000495786.1), dbSNP rs1555636594, ClinGen allele CA401775330.

ClinVar aggregate classification (germline): Uncertain significance (1 of 4 stars; one submission).

Allele frequency attached by ClinVar (database versions not stated): gnomAD exomes below 0.00001.
gnomAD v4.1: 1 of 1,613,920 alleles (0.000062%); highest among the groups gnomAD compares: Middle Eastern, 0.017%; no homozygotes.

Submission:

Women's Health and Genetics/Laboratory Corporation of America, LabCorp
Classification: Uncertain significance. Last evaluated: 2016-05-16. Review status: criteria provided, single submitter. Criteria: LabCorp Variant Classification Summary - May 2015. Collection method: clinical testing. Allele origin: germline.
Comment: Variant summary: The NPC1 c.1531A>G (p.Thr511Ala) variant involves the alteration of a conserved nucleotide. 3/4 in silico tools predict a damaging outcome (SNPs&GO not captured due to low reliability index). This variant is absent from 120794 control chromosomes. The variant of interest has not, to our knowledge, been reported in affected individuals via publications and/or reputable databases/clinical diagnostic laboratories, nor was it evaluated for functional impact by in vivo/vitro studies. Due to the absence of clinical information and lack of functional studies, the variant was classified as a variant of uncertain significance (VUS) until additional information becomes available.